The following is an entry in ClinVar:

ClinVar aggregate classification (germline): Pathogenic. Review status: criteria provided, multiple submitters, no conflicts (2 of 4 stars). 3 submissions from 3 submitters: Pathogenic (2). 1 of the submissions does not count toward it. Last evaluated 2024-07-31.

Conditions:
Familial hypokalemia-hypomagnesemia (GTLMNS). Also called: HYPOMAGNESEMIA-HYPOKALEMIA, PRIMARY RENOTUBULAR, WITH HYPOCALCIURIA; POTASSIUM AND MAGNESIUM DEPLETION; gitelman syndrome. Identifiers: Orphanet 358, MedGen C0268450, MONDO:0009904, OMIM 263800.

Allele frequency attached by ClinVar (database versions not stated): gnomAD exomes below 0.00001; TOPMed below 0.00001.
gnomAD v4.1: 1 of 1,613,942 alleles (0.000062%); highest among the groups gnomAD compares: East Asian, 0.0022%; no homozygotes.

Submissions (3):

Natera, Inc.
Classification: Pathogenic for Gitelman syndrome. Last evaluated: 2024-07-31. Review status: criteria provided, single submitter. Criteria: Natera Variant Classification Schema (03/2026). Collection method: clinical testing. Allele origin: germline.
Comment: The c.1316G>T variant in SLC12A3 is a missense variant predicted to cause substitution of glycine to valine at amino acid 439. This variant is rare in the general population with a frequency below the threshold expected for the associated phenotype(s). This variant has been observed in one or more individuals affected with the associated recessive disease, as either homozygous or compound heterozygous with a second variant (PMID: 35599441, 18287808, 19207868, 33382082). A different variant at the same position has been determined to be Pathogenic or Likely Pathogenic. Computational prediction algorithms indicate this variant is likely to affect gene or protein function. Given the available evidence, this variant is classified as Pathogenic.

Juno Genomics, Hangzhou Juno Genomics, Inc
Classification: Pathogenic for Familial hypokalemia-hypomagnesemia. Review status: criteria provided, single submitter. Criteria: ACMG Guidelines, 2015. Collection method: clinical testing. Allele origin: germline.
Comment: Absent from controls (or at extremely low frequency if recessive) in Genome Aggregation Database.;Novel missense change at an amino acid residue where a different missense change determined to be pathogenic has been seen before.;Multiple lines of computational evidence support a deleterious effect on the gene or gene product.;For recessive disorders, detected in trans with a pathogenic variant.;Patient's phenotype or family history is highly specific for a disease with a single genetic etiology.

Department of Pediatrics, Taizhou Central Hospital, Taizhou University Hospital
Classification: Likely pathogenic for Familial hypokalemia-hypomagnesemia. Last evaluated: 2024-02-01. Review status: no assertion criteria provided. Collection method: clinical testing. Allele origin: maternal. Affected: yes. Observed: 1 variant allele. Not counted in ClinVar's aggregate classification.

Literature cited by the submitters: PubMed 35599441 (cited by Natera, Inc.); PubMed 18287808 (cited by Natera, Inc.); PubMed 19207868 (cited by Natera, Inc.); PubMed 33382082 (cited by Natera, Inc.).

NM_001126108.2(SLC12A3):c.1316G>T (p.Gly439Val)

Gene: SLC12A3 (solute carrier family 12 member 3; plus strand). Cytogenetic location: 16q13.
Variant type: single nucleotide variant.
Coding change: c.1316G>T on transcript NM_001126108.2 (MANE Select); coding-DNA position 1316, G replaced by T.
Protein change: p.Gly439Val; replaces glycine 439 with valine.
Molecular consequence: missense variant.
Genome position (GRCh38, 1-based): chr16:56,879,208, G>T. VCF-style: chr16-56879208-G-T. GRCh37 (hg19) VCF-style: chr16-56913120-G-T.
Other names: c.1316G>T, p.Gly439Val (NM_000339.3); c.1313G>T, p.Gly438Val (NM_001126107.2, NM_001410896.1); short protein forms G438V, G439V.
Identifiers: ClinVar variation 3236716 (VCV003236716.4), dbSNP rs1246053601, ClinGen allele CA395986336.